The following is an entry in ClinVar:

NM_000191.3(HMGCL):c.176del (p.Leu59fs)

Gene: HMGCL (3-hydroxy-3-methylglutaryl-CoA lyase; minus strand). Cytogenetic location: 1p36.11.
Variant type: Deletion.
Coding change: c.176del on transcript NM_000191.3 (MANE Select); coding-DNA position 176, one base deleted (T; older notation c.176delT).
Protein change: p.Leu59fs; shifts the reading frame from leucine 59.
Molecular consequence: frameshift variant.
Genome position (GRCh38, 1-based): chr1:23,817,552, A deleted on the plus strand (T on the coding strand, the reverse complement: HMGCL is on the minus strand). VCF-style (leftmost placement, unchanged base first): chr1-23817551-CA-C. GRCh37 (hg19) VCF-style: chr1-24144041-CA-C.
Other names: c.176del, p.Leu59fs (NM_001166059.2); short protein forms L59fs.
Identifiers: ClinVar variation 5015546 (VCV005015546.1).
Genomic context (GRCh38, chr1:23,817,551, plus strand): 5'-AGGAGACACAAAGCTGGTGGTTTCTATAACAGAGAGTCCTGCTTCAGAAAGCATGTCTAT[CA>C]GCTTGATTTTCACTGGAGTAGATACGATATTCTATAGTGGAGAGAGAAACACCAAGGCAG-3'

ClinVar aggregate classification (germline): Pathogenic (1 of 4 stars; one submission).

Conditions:
Deficiency of hydroxymethylglutaryl-CoA lyase (HMGCLD). Also called: Defect in leucine metabolism; 3-hydroxy-3-methylglutaric aciduria; HMG-CoA LYASE DEFICIENCY; HMGCL DEFICIENCY; HYDROXYMETHYLGLUTARIC ACIDURIA. Identifiers: Orphanet 20, MedGen C1533587, MONDO:0009520, OMIM 246450.

Submission:

Myriad Genetics, Inc.
Classification: Pathogenic for Deficiency of hydroxymethylglutaryl-CoA lyase. Last evaluated: 2026-02-12. Review status: criteria provided, single submitter. Criteria: Myriad Autosomal Dominant, Autosomal Recessive and X-Linked Classification Criteria (2023). Collection method: clinical testing. Allele origin: unknown.
Comment: NM_000191.2(HMGCL):c.176delT(L59Rfs*2) is expected to be pathogenic in the context of HMG-CoA lyase deficiency. This variant is predicted to lead to an abnormal or absent protein product due to the creation of a premature termination codon in HMGCL, a gene where loss-of-function variants are known to be pathogenic. Please note: this variant was assessed in the context of healthy population screening.